The following is an entry in ClinVar:

NM_000264.5(PTCH1):c.3928G>A (p.Gly1310Ser)

Gene: PTCH1 (patched 1; minus strand). Cytogenetic location: 9q22.32.
Variant type: single nucleotide variant.
Coding change: c.3928G>A on transcript NM_000264.5 (MANE Select); coding-DNA position 3928, G replaced by A.
Protein change: p.Gly1310Ser; replaces glycine 1310 with serine.
Molecular consequence: missense variant. On other transcripts: non-coding transcript variant (1).
Genome position (GRCh38, 1-based): chr9:95,447,328, C>T on the plus strand (G>A on the coding strand, the complement: PTCH1 is on the minus strand). VCF-style: chr9-95447328-C-T. GRCh37 (hg19) VCF-style: chr9-98209610-C-T.
Other names: c.3730G>A, p.Gly1244Ser (NM_001083602.3); c.3925G>A, p.Gly1309Ser (NM_001083603.3); c.3475G>A, p.Gly1159Ser (NM_001083604.3, NM_001083605.3, NM_001083606.3 and 1 more transcripts); c.3772G>A, p.Gly1258Ser (NM_001354918.2); short protein forms G1309S, G1244S, G1159S, G1258S, G1310S.
Identifiers: ClinVar variation 3939902 (VCV003939902.1).
Genomic context (GRCh38, chr9:95,447,328, plus strand): 5'-GCCCTTCAGTAGAAATTTCAAAAGCGTCTCTGCGCGGTCTGTAGGGGGGTGGCCACAAGC[C>T]TTCTCTGGGGGGGTCCCTGCGGGGCTGCTGGCCTTGCCGTCCGGGAGGCAGGGACCCTGA-3'
Protein context (NP_000255.2, residues 1300-1320): QQPRRDPPRE[Gly1310Ser]LWPPPYRPRR

ClinVar aggregate classification (germline): Uncertain significance (1 of 4 stars; one submission).

Conditions:
Hereditary cancer-predisposing syndrome. Also called: Tumor predisposition; Hereditary neoplastic syndrome; Hereditary Cancer Syndrome; Neoplastic Syndromes, Hereditary. Identifiers: Orphanet 140162, MedGen C0027672, MeSH D009386, MONDO:0015356.

gnomAD v4.1: 2 of 1,613,430 alleles (0.00012%); highest among the groups gnomAD compares: Non-Finnish European, 0.00017%; no homozygotes.

Submission:

Ambry Genetics
Classification: Uncertain significance for Hereditary cancer-predisposing syndrome. Last evaluated: 2025-04-07. Review status: criteria provided, single submitter. Criteria: Ambry Variant Classification Scheme 2023. Collection method: clinical testing. Allele origin: germline.
Comment: The p.G1310S variant (also known as c.3928G>A), located in coding exon 23 of the PTCH1 gene, results from a G to A substitution at nucleotide position 3928. The glycine at codon 1310 is replaced by serine, an amino acid with similar properties. This amino acid position is conserved. In addition, the in silico prediction for this alteration is inconclusive. Based on the available evidence, the clinical significance of this variant remains unclear.